The following is an entry in ClinVar:

NM_006767.4(LZTR1):c.1719C>T (p.Ser573=)

Gene: LZTR1 (leucine zipper like post translational regulator 1; plus strand). Cytogenetic location: 22q11.21.
Variant type: single nucleotide variant.
Coding change: c.1719C>T on transcript NM_006767.4 (MANE Select); coding-DNA position 1719, C replaced by T.
Protein change: p.Ser573=; no amino-acid change (serine 573 retained).
Molecular consequence: synonymous variant.
Genome position (GRCh38, 1-based): chr22:20,994,661, C>T. VCF-style: chr22-20994661-C-T. GRCh37 (hg19) VCF-style: chr22-21348950-C-T.
Identifiers: ClinVar variation 705547 (VCV000705547.18), dbSNP rs150897932, ClinGen allele CA10119033.

ClinVar aggregate classification (germline): Benign/Likely benign. Review status: criteria provided, multiple submitters, no conflicts (2 of 4 stars). 7 submissions from 7 submitters: Benign (2); Likely benign (4). 1 of the submissions does not count toward it. Last evaluated 2026-02-03.

Conditions:
Hereditary cancer-predisposing syndrome. Also called: Tumor predisposition; Neoplastic Syndromes, Hereditary; Hereditary neoplastic syndrome; Hereditary Cancer Syndrome. Identifiers: Orphanet 140162, MedGen C0027672, MeSH D009386, MONDO:0015356.
Cardiovascular phenotype. Identifiers: MedGen CN230736.
LZTR1-related disorder. Also called: LZTR1-related disorders; LZTR1-related condition.

Allele frequency attached by ClinVar (database versions not stated): gnomAD exomes 0.00011 and 0.00020; ExAC 0.00023; 1000 Genomes Project 0.00060; 1000 Genomes Project 30x 0.00062; ESP Exome Variant Server 0.00062; gnomAD 0.00092 and 0.00097; TOPMed 0.00107.
gnomAD v4.1: 308 of 1,612,952 alleles (0.019%); highest among the groups gnomAD compares: African/African-American, 0.34%; 1 homozygote.

Submissions (7):

Labcorp Genetics (formerly Invitae), Labcorp
Classification: Benign. Last evaluated: 2026-02-03. Review status: criteria provided, single submitter. Criteria: Invitae Variant Classification Sherloc (09022015). Collection method: clinical testing. Allele origin: germline.

Blueprint Genetics
Classification: Likely benign. Last evaluated: 2024-05-22. Review status: criteria provided, single submitter. Criteria: ACMG Guidelines, 2015. Collection method: clinical testing. Allele origin: germline.

ARUP Laboratories, Molecular Genetics and Genomics, ARUP Laboratories
Classification: Likely benign. Last evaluated: 2023-12-15. Review status: criteria provided, single submitter. Criteria: ARUP Molecular Germline Variant Investigation Process 2024. Collection method: clinical testing. Allele origin: germline.

Women's Health and Genetics/Laboratory Corporation of America, LabCorp
Classification: Benign. Last evaluated: 2021-12-19. Review status: criteria provided, single submitter. Criteria: LabCorp Variant Classification Summary - May 2015. Collection method: clinical testing. Allele origin: germline.

GeneDx
Classification: Likely benign. Last evaluated: 2021-04-27. Review status: criteria provided, single submitter. Criteria: GeneDx Variant Classification Process June 2021. Collection method: clinical testing. Allele origin: germline. Affected: yes.

Ambry Genetics
Classification: Likely benign for Cardiovascular phenotype; Hereditary cancer-predisposing syndrome. Last evaluated: 2020-08-17. Review status: criteria provided, single submitter. Criteria: Ambry Variant Classification Scheme 2023. Collection method: clinical testing. Allele origin: germline.

PreventionGenetics, part of Exact Sciences
Classification: Likely benign for LZTR1-related condition. Last evaluated: 2019-04-29. Review status: no assertion criteria provided. Collection method: clinical testing. Allele origin: germline. Not counted in ClinVar's aggregate classification.
Comment: This variant is classified as likely benign based on ACMG/AMP sequence variant interpretation guidelines (Richards et al. 2015 PMID: 25741868, with internal and published modifications).